The following is an entry in ClinVar:

ClinVar aggregate classification (germline): Benign. Review status: criteria provided, multiple submitters, no conflicts (2 of 4 stars). 3 submissions from 3 submitters: Benign (2). 1 of the submissions does not count toward it. Last evaluated 2019-12-31.

Conditions:
CSMD1-related disorder. Also called: CSMD1-related condition.

Allele frequency attached by ClinVar (database versions not stated): ESP Exome Variant Server 0.00032; gnomAD exomes 0.00069; ExAC 0.00087; gnomAD 0.00289 and 0.00307; TOPMed 0.00339; 1000 Genomes Project 30x 0.00390; 1000 Genomes Project 0.00399.
gnomAD v4.1: 865 of 1,612,434 alleles (0.054%); highest among the groups gnomAD compares: African/African-American, 1%; 7 homozygotes.

Submissions (3):

Labcorp Genetics (formerly Invitae), Labcorp
Classification: Benign. Last evaluated: 2019-12-31. Review status: criteria provided, single submitter. Criteria: Invitae Variant Classification Sherloc (09022015). Collection method: clinical testing. Allele origin: germline.

Breakthrough Genomics
Classification: Benign. Review status: criteria provided, single submitter. Criteria: ACMG Guidelines, 2015. Collection method: not provided. Allele origin: germline. Inheritance: Unknown mechanism. Affected: yes.

PreventionGenetics, part of Exact Sciences
Classification: Likely benign for CSMD1-related condition. Last evaluated: 2019-04-29. Review status: no assertion criteria provided. Collection method: clinical testing. Allele origin: germline. Not counted in ClinVar's aggregate classification.
Comment: This variant is classified as likely benign based on ACMG/AMP sequence variant interpretation guidelines (Richards et al. 2015 PMID: 25741868, with internal and published modifications).

NM_033225.6(CSMD1):c.1223-7T>C

Gene: CSMD1 (CUB and Sushi multiple domains 1; minus strand). Cytogenetic location: 8p23.2.
Variant type: single nucleotide variant.
Coding change: c.1223-7T>C on transcript NM_033225.6 (MANE Select); 7 bases into the intron before coding-DNA position 1223, T replaced by C.
Molecular consequence: intron variant.
Genome position (GRCh38, 1-based): chr8:3,575,073, A>G on the plus strand (T>C on the coding strand, the complement: CSMD1 is on the minus strand). VCF-style: chr8-3575073-A-G. GRCh37 (hg19) VCF-style: chr8-3432595-A-G.
Identifiers: ClinVar variation 731437 (VCV000731437.7), dbSNP rs138793470, ClinGen allele CA4609003.
Genomic context (GRCh38, chr8:3,575,073, plus strand): 5'-TAGGGGAGGTAATGACGCCGCTGGGCCCACGCAGATTGGATCCACATGTTCTCGCTGGAA[A>G]CACATAGAAACGACGTTATTTTCTACAACATTGTGTCAGTTTGGTAAAGACATAACATTT-3'